The following is an entry in ClinVar:

NC_000001.11:g.(?_193122191)_(193125227_?)del

Gene: CDC73 (cell division cycle 73; plus strand). Cytogenetic location: 1q31.2.
Variant type: Deletion.
Identifiers: ClinVar variation 831275 (VCV000831275.1).

ClinVar aggregate classification (germline): Pathogenic (1 of 4 stars; one submission).

Conditions:
Parathyroid carcinoma (PRTC). Also called: Parathyroid gland carcinoma; CDC73-Related Parathyroid Carcinoma. Identifiers: Orphanet 143, MedGen C0687150, MONDO:0012004, OMIM 608266, HP:0006780.

Submission:

Labcorp Genetics (formerly Invitae), Labcorp
Classification: Pathogenic for Parathyroid carcinoma. Last evaluated: 2019-05-05. Review status: criteria provided, single submitter. Criteria: Invitae Variant Classification Sherloc (09022015). Collection method: clinical testing. Allele origin: germline.
Comment: This variant is a gross deletion of the genomic region encompassing exons 1-2 of the CDC73 gene, which includes the initiator codon. The 5' end of this event is unknown as it extends beyond the assayed region for this gene and therefore may encompass additional genes. The 3' boundary is likely confined to intron 2 of the CDC73 gene. This is expected to result in an absent or disrupted protein product. This variant has not been reported in the literature in individuals with CDC73-related conditions. Loss-of-function variants in CDC73 are known to be pathogenic (PMID: 12434154). For these reasons, this variant has been classified as Pathogenic.